The following is an entry in ClinVar:

NM_005732.4(RAD50):c.790A>G (p.Lys264Glu)

Gene: RAD50 (RAD50 double strand break repair protein; plus strand). Cytogenetic location: 5q31.1.
Variant type: single nucleotide variant.
Coding change: c.790A>G on transcript NM_005732.4 (MANE Select); coding-DNA position 790, A replaced by G.
Protein change: p.Lys264Glu; replaces lysine 264 with glutamic acid.
Molecular consequence: missense variant.
Genome position (GRCh38, 1-based): chr5:132,587,595, A>G. VCF-style: chr5-132587595-A-G. GRCh37 (hg19) VCF-style: chr5-131923287-A-G.
Other names: short protein forms K264E.
Identifiers: ClinVar variation 220749 (VCV000220749.17), dbSNP rs750693854, ClinGen allele CA349081.

ClinVar aggregate classification (germline): Uncertain significance. Review status: criteria provided, multiple submitters, no conflicts (2 of 4 stars). 4 submissions from 4 submitters: Uncertain significance (4). Last evaluated 2026-06-05.

Conditions:
Hereditary cancer-predisposing syndrome. Also called: Tumor predisposition; Neoplastic Syndromes, Hereditary; Hereditary Cancer Syndrome; Hereditary neoplastic syndrome. Identifiers: Orphanet 140162, MedGen C0027672, MeSH D009386, MONDO:0015356.
Nijmegen breakage syndrome-like disorder (NBSLD). Also called: MICROCEPHALY AND SPONTANEOUS CHROMOSOME INSTABILITY WITHOUT IMMUNODEFICIENCY; NBS-LIKE DISORDER; RAD50 DEFICIENCY. Identifiers: Orphanet 240760, MedGen C2751318, MONDO:0013118, OMIM 613078.

Allele frequency attached by ClinVar (database versions not stated): gnomAD exomes below 0.00001 and 0.00001; ExAC 0.00001; TOPMed 0.00002; gnomAD 0.00001.
gnomAD v4.1: 14 of 1,613,508 alleles (0.00087%); highest among the groups gnomAD compares: Middle Eastern, 0.033%; no homozygotes.

Submissions (4):

Women's Health and Genetics/Laboratory Corporation of America, LabCorp
Classification: Uncertain significance. Last evaluated: 2026-06-05. Review status: criteria provided, single submitter. Criteria: LabCorp Variant Classification Summary - May 2015. Collection method: clinical testing. Allele origin: germline.
Comment: Variant summary: RAD50 c.790A>G (p.Lys264Glu) results in a conservative amino acid change in the encoded protein sequence. Algorithms developed to predict the effect of missense changes on protein structure and function are either unavailable or do not agree on the potential impact of this missense change. The variant allele was found at a frequency of 4e-06 in 250022 control chromosomes. The available data on variant occurrences in the general population are insufficient to allow any conclusion about variant significance. To our knowledge, no occurrence of c.790A>G in individuals affected with RAD50-related conditions and no experimental evidence demonstrating its impact on protein function have been reported. ClinVar contains an entry for this variant (Variation ID: 220749). Based on the evidence outlined above, the variant was classified as uncertain significance.

Ambry Genetics
Classification: Uncertain significance for Hereditary cancer-predisposing syndrome. Last evaluated: 2024-12-06. Review status: criteria provided, single submitter. Criteria: Ambry Variant Classification Scheme 2023. Collection method: clinical testing. Allele origin: germline.
Comment: The p.K264E variant (also known as c.790A>G), located in coding exon 6 of the RAD50 gene, results from an A to G substitution at nucleotide position 790. The lysine at codon 264 is replaced by glutamic acid, an amino acid with similar properties. This amino acid position is well conserved in available vertebrate species. In addition, this alteration is predicted to be tolerated by in silico analysis. Since supporting evidence is limited at this time, the clinical significance of this alteration remains unclear.

Labcorp Genetics (formerly Invitae), Labcorp
Classification: Uncertain significance for Hereditary cancer-predisposing syndrome. Last evaluated: 2024-05-15. Review status: criteria provided, single submitter. Criteria: Invitae Variant Classification Sherloc (09022015). Collection method: clinical testing. Allele origin: germline.
Comment: This sequence change replaces lysine, which is basic and polar, with glutamic acid, which is acidic and polar, at codon 264 of the RAD50 protein (p.Lys264Glu). This variant is present in population databases (rs750693854, gnomAD 0.0009%). This variant has not been reported in the literature in individuals affected with RAD50-related conditions. ClinVar contains an entry for this variant (Variation ID: 220749). Advanced modeling of protein sequence and biophysical properties (such as structural, functional, and spatial information, amino acid conservation, physicochemical variation, residue mobility, and thermodynamic stability) performed at Invitae indicates that this missense variant is not expected to disrupt RAD50 protein function with a negative predictive value of 80%. In summary, the available evidence is currently insufficient to determine the role of this variant in disease. Therefore, it has been classified as a Variant of Uncertain Significance.

Baylor Genetics
Classification: Uncertain significance for Nijmegen breakage syndrome-like disorder. Last evaluated: 2021-08-11. Review status: criteria provided, single submitter. Criteria: ACMG Guidelines, 2015. Collection method: clinical testing. Allele origin: unknown.